The following is an entry in ClinVar:

ClinVar aggregate classification (germline): Uncertain significance (1 of 4 stars; one submission).

Conditions:
Bethlem myopathy 2 (BTHLM2). Identifiers: Orphanet 536516, Orphanet 610, MedGen C4225313, MONDO:0034022, OMIM 616471.
Ullrich congenital muscular dystrophy 2 (UCMD2). Identifiers: Orphanet 75840, MedGen C4225314, MONDO:0014654, OMIM 616470.

Allele frequency attached by ClinVar (database versions not stated): gnomAD exomes below 0.00001.

Submission:

Labcorp Genetics (formerly Invitae), Labcorp
Classification: Uncertain significance for Bethlem myopathy 2; Ullrich congenital muscular dystrophy 2. Last evaluated: 2022-06-19. Review status: criteria provided, single submitter. Criteria: Invitae Variant Classification Sherloc (09022015). Collection method: clinical testing. Allele origin: germline.
Comment: This sequence change replaces threonine, which is neutral and polar, with isoleucine, which is neutral and non-polar, at codon 1048 of the COL12A1 protein (p.Thr1048Ile). This variant is not present in population databases (gnomAD no frequency). This variant has not been reported in the literature in individuals affected with COL12A1-related conditions. Algorithms developed to predict the effect of missense changes on protein structure and function are either unavailable or do not agree on the potential impact of this missense change (SIFT: "Deleterious"; PolyPhen-2: "Benign"; Align-GVGD: "Class C0"). In summary, the available evidence is currently insufficient to determine the role of this variant in disease. Therefore, it has been classified as a Variant of Uncertain Significance.

NM_004370.6(COL12A1):c.3143C>T (p.Thr1048Ile)

Gene: COL12A1 (collagen type XII alpha 1 chain; minus strand). Cytogenetic location: 6q13.
Variant type: single nucleotide variant.
Coding change: c.3143C>T on transcript NM_004370.6 (MANE Select); coding-DNA position 3143, C replaced by T.
Protein change: p.Thr1048Ile; replaces threonine 1048 with isoleucine.
Molecular consequence: missense variant. On other transcripts: intron variant (1).
Genome position (GRCh38, 1-based): chr6:75,156,364, G>A on the plus strand (C>T on the coding strand, the complement: COL12A1 is on the minus strand). VCF-style: chr6-75156364-G-A. GRCh37 (hg19) VCF-style: chr6-75866080-G-A.
Other names: c.74-3882C>T (NM_080645.3); short protein forms T1048I.
Identifiers: ClinVar variation 1949033 (VCV001949033.5), dbSNP rs2533426183, ClinGen allele CA364753879.